The following is an entry in ClinVar:

ClinVar aggregate classification (germline): Uncertain significance (1 of 4 stars; one submission).

Allele frequency attached by ClinVar (database versions not stated): ExAC 0.00003; gnomAD 0.00003 and 0.00004; TOPMed 0.00005; gnomAD exomes 0.00006; 1000 Genomes Project 0.00020; 1000 Genomes Project 30x 0.00031.
gnomAD v4.1: 113 of 1,614,158 alleles (0.007%); highest among the groups gnomAD compares: Admixed American, 0.01%; no homozygotes.

Submission:

Labcorp Genetics (formerly Invitae), Labcorp
Classification: Uncertain significance. Last evaluated: 2025-10-06. Review status: criteria provided, single submitter. Criteria: Invitae Variant Classification Sherloc (09022015). Collection method: clinical testing. Allele origin: germline.
Comment: This sequence change replaces proline, which is neutral and non-polar, with leucine, which is neutral and non-polar, at codon 562 of the ERBB2 protein (p.Pro562Leu). This variant is present in population databases (rs201470725, gnomAD 0.01%). This variant has not been reported in the literature in individuals affected with ERBB2-related conditions. ClinVar contains an entry for this variant (Variation ID: 1424975). Invitae Evidence Modeling of protein sequence and biophysical properties (such as structural, functional, and spatial information, amino acid conservation, physicochemical variation, residue mobility, and thermodynamic stability) indicates that this missense variant is not expected to disrupt ERBB2 protein function with a negative predictive value of 80%. In summary, the available evidence is currently insufficient to determine the role of this variant in disease. Therefore, it has been classified as a Variant of Uncertain Significance.

NM_004448.4(ERBB2):c.1685C>T (p.Pro562Leu)

Gene: ERBB2 (erb-b2 receptor tyrosine kinase 2; plus strand). Cytogenetic location: 17q12.
Variant type: single nucleotide variant.
Coding change: c.1685C>T on transcript NM_004448.4 (MANE Select); coding-DNA position 1685, C replaced by T.
Protein change: p.Pro562Leu; replaces proline 562 with leucine.
Molecular consequence: missense variant. On other transcripts: non-coding transcript variant (1), intron variant (1).
Genome position (GRCh38, 1-based): chr17:39,716,553, C>T. VCF-style: chr17-39716553-C-T. GRCh37 (hg19) VCF-style: chr17-37872806-C-T.
Other names: c.1595C>T, p.Pro532Leu (NM_001005862.3, NM_001289938.2, NM_001382782.1 and 1 more transcripts); c.1640C>T, p.Pro547Leu (NM_001289936.2); c.1685C>T, p.Pro562Leu (NM_001289937.2, NM_001382785.1, NM_001382790.1 and 11 more transcripts); c.1802C>T, p.Pro601Leu (NM_001382784.1, NM_001382786.1); c.1760C>T, p.Pro587Leu (NM_001382787.1); c.1715C>T, p.Pro572Leu (NM_001382788.1); c.1706C>T, p.Pro569Leu (NM_001382789.1); c.1676C>T, p.Pro559Leu (NM_001382791.1); and 4 more; short protein forms P476L, P502L, P562L, P286L, P569L, P587L, P532L, P547L.
Identifiers: ClinVar variation 1424975 (VCV001424975.8), dbSNP rs201470725, ClinGen allele CA8534064.